The following is an entry in ClinVar:

ClinVar aggregate classification (germline): Uncertain significance (1 of 4 stars; one submission).

Conditions:
Autosomal recessive distal spinal muscular atrophy 1. Also called: SEVERE INFANTILE AXONAL NEUROPATHY WITH RESPIRATORY FAILURE; SPINAL MUSCULAR ATROPHY, DIAPHRAGMATIC; HMN VI; NEURONOPATHY, SEVERE INFANTILE AXONAL, WITH RESPIRATORY FAILURE; NEURONOPATHY, DISTAL HEREDITARY MOTOR, HARDING TYPE VI; NEUROPATHY, DISTAL HEREDITARY MOTOR, AUTOSOMAL RECESSIVE 1. Identifiers: Orphanet 98920, MedGen C1858517, MONDO:0011436, OMIM 604320.
Charcot-Marie-Tooth disease axonal type 2S. Also called: CHARCOT-MARIE-TOOTH DISEASE, AXONAL, AUTOSOMAL RECESSIVE, TYPE 2S; CHARCOT-MARIE-TOOTH NEUROPATHY, TYPE 2S. Identifiers: Orphanet 443073, MedGen C4015349, MONDO:0014511, OMIM 616155.

gnomAD v4.1: 2 of 1,614,150 alleles (0.00012%); highest among the groups gnomAD compares: Non-Finnish European, 0.00017%; no homozygotes.

Submission:

Labcorp Genetics (formerly Invitae), Labcorp
Classification: Uncertain significance for Autosomal recessive distal spinal muscular atrophy 1; Charcot-Marie-Tooth disease axonal type 2S. Last evaluated: 2022-01-14. Review status: criteria provided, single submitter. Criteria: Invitae Variant Classification Sherloc (09022015). Collection method: clinical testing. Allele origin: germline.
Comment: In summary, the available evidence is currently insufficient to determine the role of this variant in disease. Therefore, it has been classified as a Variant of Uncertain Significance. Advanced modeling of protein sequence and biophysical properties (such as structural, functional, and spatial information, amino acid conservation, physicochemical variation, residue mobility, and thermodynamic stability) performed at Invitae indicates that this missense variant is not expected to disrupt IGHMBP2 protein function. ClinVar contains an entry for this variant (Variation ID: 1023374). This variant has not been reported in the literature in individuals affected with IGHMBP2-related conditions. This variant is not present in population databases (gnomAD no frequency). This sequence change replaces isoleucine, which is neutral and non-polar, with leucine, which is neutral and non-polar, at codon 35 of the IGHMBP2 protein (p.Ile35Leu).

NM_002180.3(IGHMBP2):c.103A>C (p.Ile35Leu)

Gene: IGHMBP2 (immunoglobulin mu DNA binding protein 2; plus strand). Cytogenetic location: 11q13.3.
Variant type: single nucleotide variant.
Coding change: c.103A>C on transcript NM_002180.3 (MANE Select); coding-DNA position 103, A replaced by C.
Protein change: p.Ile35Leu; replaces isoleucine 35 with leucine.
Molecular consequence: missense variant.
Genome position (GRCh38, 1-based): chr11:68,906,085, A>C. VCF-style: chr11-68906085-A-C. GRCh37 (hg19) VCF-style: chr11-68673553-A-C.
Other names: short protein forms I35L.
Identifiers: ClinVar variation 1023374 (VCV001023374.9), dbSNP rs199586231, ClinGen allele CA381642128.